The following is an entry in ClinVar:

ClinVar aggregate classification (germline): Likely pathogenic (1 of 4 stars; one submission).

Conditions:
Lamellar ichthyosis. Identifiers: Orphanet 313, MedGen C5848247, MONDO:0017778.

Submission:

Women's Health and Genetics/Laboratory Corporation of America, LabCorp
Classification: Likely pathogenic for Lamellar ichthyosis. Last evaluated: 2022-12-29. Review status: criteria provided, single submitter. Criteria: LabCorp Variant Classification Summary - May 2015. Collection method: clinical testing. Allele origin: germline.
Comment: Variant summary: The variant identified by MLPA or other technology involves the deletion of exons 8-13 in the ALOXE3 gene. A presumed nomenclature of c.(784+1_785-1)_(1684+1_1685-1)del has been designated for the purposes of this classification. Although exact breakpoints of this deletion are not known, it is expected to result in a large in-frame deletion in the ALOXE3 gene, which is a known mechanism of disease. The variant was absent in 21694 control chromosomes (gnomAD Structural Variants dataset). To our knowledge, no occurrence of c.(784+1_785-1)_(1684+1_1685-1)del in individuals affected with Lamellar Ichthyosis and no experimental evidence demonstrating its impact on protein function have been reported. No clinical diagnostic laboratories have submitted clinical-significance assessments for this variant to ClinVar after 2014. Based on the evidence outlined above, the variant was classified as likely pathogenic.

NC_000017.10:g.(8007534_8011785)_(8014850_8015410)del

Gene: ALOXE3 (arachidonate epidermal lipoxygenase 3; minus strand). Cytogenetic location: 17p13.1.
Variant type: Deletion.
Identifiers: ClinVar variation 1878411 (VCV001878411.1).